The following is an entry in ClinVar:

ClinVar aggregate classification (germline): Conflicting classifications of pathogenicity. Review status: criteria provided, conflicting classifications (1 of 4 stars). 7 submissions from 7 submitters: Uncertain significance (2); Benign (1); Likely benign (3). 1 of the submissions does not count toward it. Last evaluated 2026-01-26.

Conditions:
RSPH4A-related disorder. Also called: RSPH4A-related condition.
Primary ciliary dyskinesia. Also called: Ciliary dyskinesia. Identifiers: Orphanet 244, MedGen C0008780, MONDO:0016575, HP:0012265.
Primary ciliary dyskinesia 11. Also called: CILIARY DYSKINESIA, PRIMARY, 11, WITHOUT SITUS INVERSUS. Identifiers: Orphanet 244, MedGen C2675229, MONDO:0012978, OMIM 612649.

Allele frequency attached by ClinVar (database versions not stated): 1000 Genomes Project 30x 0.00094; 1000 Genomes Project 0.00100; TOPMed 0.00102; ESP Exome Variant Server 0.00108; gnomAD 0.00119 and 0.00122; gnomAD exomes 0.00142 and 0.00156; ExAC 0.00181.

Submissions (7):

Labcorp Genetics (formerly Invitae), Labcorp
Classification: Likely benign for Primary ciliary dyskinesia. Last evaluated: 2026-01-26. Review status: criteria provided, single submitter. Criteria: Invitae Variant Classification Sherloc (09022015). Collection method: clinical testing. Allele origin: germline.

Ambry Genetics
Classification: Benign for Primary ciliary dyskinesia. Last evaluated: 2025-12-03. Review status: criteria provided, single submitter. Criteria: Ambry Variant Classification Scheme 2023. Collection method: clinical testing. Allele origin: germline.

Mayo Clinic Laboratories, Mayo Clinic
Classification: Likely benign. Last evaluated: 2025-05-12. Review status: criteria provided, single submitter. Criteria: ACMG Guidelines, 2015. Collection method: clinical testing. Allele origin: germline. Observed: 3 variant alleles.
Comment: BS1, BP4

Blueprint Genetics
Classification: Likely benign. Last evaluated: 2024-09-26. Review status: criteria provided, single submitter. Criteria: ACMG Guidelines, 2015. Collection method: clinical testing. Allele origin: germline.

Illumina Laboratory Services, Illumina
Classification: Uncertain significance for Primary ciliary dyskinesia 11. Last evaluated: 2018-01-13. Review status: criteria provided, single submitter. Criteria: ICSL Variant Classification Criteria 13 December 2019. Collection method: clinical testing. Allele origin: germline.

Eurofins Ntd Llc (ga)
Classification: Uncertain significance. Last evaluated: 2016-10-06. Review status: criteria provided, single submitter. Criteria: EGL Classification Definitions 2015. Collection method: clinical testing. Allele origin: germline. Observed: 1 variant allele, 1 heterozygote.

PreventionGenetics, part of Exact Sciences
Classification: Likely benign for RSPH4A-related condition. Last evaluated: 2022-11-21. Review status: no assertion criteria provided. Collection method: clinical testing. Allele origin: germline. Not counted in ClinVar's aggregate classification.
Comment: This variant is classified as likely benign based on ACMG/AMP sequence variant interpretation guidelines (Richards et al. 2015 PMID: 25741868, with internal and published modifications).

Literature cited by the submitters: PubMed 26918822 (cited by Mayo Clinic Laboratories, Mayo Clinic).

NM_001010892.3(RSPH4A):c.1990C>T (p.Pro664Ser)

Gene: RSPH4A (radial spoke head component 4A; plus strand). Cytogenetic location: 6q22.1.
Variant type: single nucleotide variant.
Coding change: c.1990C>T on transcript NM_001010892.3 (MANE Select); coding-DNA position 1990, C replaced by T.
Protein change: p.Pro664Ser; replaces proline 664 with serine.
Molecular consequence: missense variant. On other transcripts: 3 prime UTR variant (1).
Genome position (GRCh38, 1-based): chr6:116,632,280, C>T. VCF-style: chr6-116632280-C-T. GRCh37 (hg19) VCF-style: chr6-116953443-C-T.
Other names: p.Pro664Ser; c.*51C>T (NM_001161664.2); short protein forms P664S.
Identifiers: ClinVar variation 355124 (VCV000355124.24), dbSNP rs146142715, ClinGen allele CA3971101.
Genomic context (GRCh38, chr6:116,632,280, plus strand): 5'-TTCTACATAGGCTGGGGTCATAAGTATAGTCCAGACAATTATACACCCCCAGTTCCACCA[C>T]CAGTTTATCAAGAATACCCCAGTGGACCAGAAATTACAGAAATGGATGATCCTAGTGTGG-3'
Protein context (NP_001010892.1, residues 654-674): PDNYTPPVPP[Pro664Ser]VYQEYPSGPE